The following is an entry in ClinVar:

NM_000203.5(IDUA):c.853del (p.Gln285fs)

Gene: IDUA (alpha-L-iduronidase; plus strand). Cytogenetic location: 4p16.3.
Variant type: Deletion.
Coding change: c.853del on transcript NM_000203.5 (MANE Select); coding-DNA position 853, one base deleted (C; older notation c.853delC).
Protein change: p.Gln285fs; shifts the reading frame from glutamine 285.
Molecular consequence: frameshift variant. On other transcripts: non-coding transcript variant (1).
Genome position (GRCh38, 1-based): chr4:1,002,042, C deleted. VCF-style (leftmost placement, unchanged base first): chr4-1002041-GC-G. GRCh37 (hg19) VCF-style: chr4-995829-GC-G.
Other names: c.457del, p.Gln153fs (NM_001363576.1); short protein forms Q153fs, Q285fs.
Identifiers: ClinVar variation 1068958 (VCV001068958.7), dbSNP rs2153022188, ClinGen allele CA2499217012.

ClinVar aggregate classification (germline): Pathogenic (1 of 4 stars; one submission).

Conditions:
Mucopolysaccharidosis type 1. Also called: Mucopolysaccharidosis Type I; IDUA deficiency; MPS I. Identifiers: Orphanet 579, MedGen C0023786, MONDO:0001586.

Submission:

Labcorp Genetics (formerly Invitae), Labcorp
Classification: Pathogenic for Mucopolysaccharidosis type 1. Last evaluated: 2020-08-21. Review status: criteria provided, single submitter. Criteria: Invitae Variant Classification Sherloc (09022015). Collection method: clinical testing. Allele origin: germline.
Comment: This sequence change creates a premature translational stop signal (p.Gln285Serfs*32) in the IDUA gene. It is expected to result in an absent or disrupted protein product. This variant is not present in population databases (ExAC no frequency). This variant has not been reported in the literature in individuals with IDUA-related conditions. Loss-of-function variants in IDUA are known to be pathogenic (PMID: 11735025, 21480867). For these reasons, this variant has been classified as Pathogenic.

Literature cited by the submitters: PubMed 11735025; PubMed 21480867.